The following is an entry in ClinVar:

ClinVar aggregate classification (germline): Uncertain significance (1 of 4 stars; one submission).

Conditions:
Connective tissue disorder. Also called: Connective tissue disease. Identifiers: MedGen C0009782, MONDO:0003900.

Submission:

Petrovsky National Research Centre of Surgery, The Federal Agency for Scientific Organizations
Classification: Uncertain significance for Connective tissue disorder. Last evaluated: 2025-11-07. Review status: criteria provided, single submitter. Criteria: ACMG Guidelines, 2015. Collection method: research. Allele origin: unknown. Inheritance: Autosomal dominant inheritance. Affected: yes.
Comment: Clinvar does not contains an entry for this variant. This variant has not been reported in any study to our knowledge. Variant NM_032387.5: c.1445G>A (p.Arg482Gln) is in The Genome Aggregation Database (gnomAD) v4.1.0 with total MAF=0.000003858 (Date of access 05-11-2025). Computational evidence suggests no impact on gene or gene product: REVEL score=0.079<0.4 (BP4).

NM_032387.5(WNK4):c.1445G>A (p.Arg482Gln)

Gene: WNK4 (WNK lysine deficient protein kinase 4; plus strand). Cytogenetic location: 17q21.2.
Variant type: single nucleotide variant.
Coding change: c.1445G>A on transcript NM_032387.5 (MANE Select); coding-DNA position 1445, G replaced by A.
Protein change: p.Arg482Gln; replaces arginine 482 with glutamine.
Molecular consequence: missense variant.
Genome position (GRCh38, 1-based): chr17:42,785,451, G>A. VCF-style: chr17-42785451-G-A. GRCh37 (hg19) VCF-style: chr17-40937469-G-A.
Other names: c.437G>A, p.Arg146Gln (NM_001321299.2); short protein forms R146Q, R482Q.
Identifiers: ClinVar variation 4526906 (VCV004526906.1).